The following is an entry in ClinVar:

NM_000257.4(MYH7):c.3299T>G (p.Leu1100Arg)

Gene: MYH7 (myosin heavy chain 7; minus strand). Cytogenetic location: 14q11.2.
Variant type: single nucleotide variant.
Coding change: c.3299T>G on transcript NM_000257.4 (MANE Select); coding-DNA position 3299, T replaced by G.
Protein change: p.Leu1100Arg; replaces leucine 1100 with arginine.
Molecular consequence: missense variant.
Genome position (GRCh38, 1-based): chr14:23,420,995, A>C on the plus strand (T>G on the coding strand, the complement: MYH7 is on the minus strand). VCF-style: chr14-23420995-A-C. GRCh37 (hg19) VCF-style: chr14-23890204-A-C.
Other names: short protein forms L1100R.
Identifiers: ClinVar variation 1477453 (VCV001477453.6), dbSNP rs1892450921, ClinGen allele CA389044411.
Genomic context (GRCh38, chr14:23,420,995, plus strand): 5'-CCGCGTGGGTGTCCAGACCTCACCTGAAGCTCCTTGAGCTTCTTCTGCAGCTGGCTGCCG[A>C]GGGCCTGTTCATCCTCAATCCTTGCGTTGAGAGCATTCAGCTCAAAGTCTTTTCTGTGGG-3'
Protein context (NP_000248.2, residues 1090-1110): LNARIEDEQA[Leu1100Arg]GSQLQKKLKE

ClinVar aggregate classification (germline): Uncertain significance (1 of 4 stars; one submission).

Conditions:
Hypertrophic cardiomyopathy. Also called: HYPERTROPHIC MYOCARDIOPATHY. Identifiers: Orphanet 217569, MedGen C0007194, MeSH D002312, MONDO:0005045, HP:0001639.

Submission:

Labcorp Genetics (formerly Invitae), Labcorp
Classification: Uncertain significance for Hypertrophic cardiomyopathy. Last evaluated: 2024-02-17. Review status: criteria provided, single submitter. Criteria: Invitae Variant Classification Sherloc (09022015). Collection method: clinical testing. Allele origin: germline.
Comment: This sequence change replaces leucine, which is neutral and non-polar, with arginine, which is basic and polar, at codon 1100 of the MYH7 protein (p.Leu1100Arg). This variant is not present in population databases (gnomAD no frequency). This variant has not been reported in the literature in individuals affected with MYH7-related conditions. ClinVar contains an entry for this variant (Variation ID: 1477453). Advanced modeling of protein sequence and biophysical properties (such as structural, functional, and spatial information, amino acid conservation, physicochemical variation, residue mobility, and thermodynamic stability) performed at Invitae indicates that this missense variant is expected to disrupt MYH7 protein function with a positive predictive value of 95%. In summary, the available evidence is currently insufficient to determine the role of this variant in disease. Therefore, it has been classified as a Variant of Uncertain Significance.